The following is an entry in ClinVar:

ClinVar aggregate classification (germline): Uncertain significance. Review status: criteria provided, multiple submitters, no conflicts (2 of 4 stars). 6 submissions from 6 submitters: Uncertain significance (5). 1 of the submissions does not count toward it. Last evaluated 2023-12-12.

Conditions:
PKHD1-related disorder. Also called: PKHD1-related condition.
Autosomal recessive polycystic kidney disease (ARPKD). Also called: AR polycystic kidney disease. Identifiers: Orphanet 731, Orphanet 8378, MedGen C0085548, MeSH D017044, MONDO:0009889.

Allele frequency attached by ClinVar (database versions not stated): ExAC 0.00011; gnomAD exomes 0.00015 and 0.00032; gnomAD 0.00020 and 0.00021; ESP Exome Variant Server 0.00023; TOPMed 0.00025.
gnomAD v4.1: 424 of 1,317,864 alleles (0.032%); highest among the groups gnomAD compares: Non-Finnish European, 0.041%; no homozygotes.

Submissions (6):

Women's Health and Genetics/Laboratory Corporation of America, LabCorp
Classification: Uncertain significance. Last evaluated: 2023-12-12. Review status: criteria provided, single submitter. Criteria: LabCorp Variant Classification Summary - May 2015. Collection method: clinical testing. Allele origin: germline.

Labcorp Genetics (formerly Invitae), Labcorp
Classification: Uncertain significance for Autosomal recessive polycystic kidney disease. Last evaluated: 2022-02-04. Review status: criteria provided, single submitter. Criteria: Invitae Variant Classification Sherloc (09022015). Collection method: clinical testing. Allele origin: germline.
Comment: This sequence change falls in intron 54 of the PKHD1 gene. It does not directly change the encoded amino acid sequence of the PKHD1 protein. It affects a nucleotide within the consensus splice site. This variant is present in population databases (rs370312392, gnomAD 0.03%). This variant has not been reported in the literature in individuals affected with PKHD1-related conditions. ClinVar contains an entry for this variant (Variation ID: 499528). Variants that disrupt the consensus splice site are a relatively common cause of aberrant splicing (PMID: 17576681, 9536098). Algorithms developed to predict the effect of sequence changes on RNA splicing suggest that this variant may disrupt the consensus splice site. In summary, the available evidence is currently insufficient to determine the role of this variant in disease. Therefore, it has been classified as a Variant of Uncertain Significance.

GeneDx
Classification: Uncertain significance. Last evaluated: 2020-01-30. Review status: criteria provided, single submitter. Criteria: GeneDx Variant Classification Process June 2021. Collection method: clinical testing. Allele origin: germline. Affected: yes.
Comment: In silico analysis supports that this variant does not alter splicing; Has not been previously published as pathogenic or benign to our knowledge

Illumina Laboratory Services, Illumina
Classification: Uncertain significance for Polycystic kidney disease 4. Last evaluated: 2018-01-13. Review status: criteria provided, single submitter. Criteria: ICSL Variant Classification Criteria 13 December 2019. Collection method: clinical testing. Allele origin: germline.

Eurofins Ntd Llc (ga)
Classification: Uncertain significance. Last evaluated: 2017-01-31. Review status: criteria provided, single submitter. Criteria: EGL Classification Definitions 2015. Collection method: clinical testing. Allele origin: germline. Observed: 1 variant allele, 1 heterozygote.

PreventionGenetics, part of Exact Sciences
Classification: Likely benign for PKHD1-related condition. Last evaluated: 2023-06-15. Review status: no assertion criteria provided. Collection method: clinical testing. Allele origin: germline. Not counted in ClinVar's aggregate classification.
Comment: This variant is classified as likely benign based on ACMG/AMP sequence variant interpretation guidelines (Richards et al. 2015 PMID: 25741868, with internal and published modifications).

Literature cited by the submitters: PubMed 17576681 (cited by Labcorp Genetics (formerly Invitae), Labcorp); PubMed 9536098 (cited by Labcorp Genetics (formerly Invitae), Labcorp).

NM_138694.4(PKHD1):c.8554+3A>G

Gene: PKHD1 (PKHD1 ciliary IPT domain containing fibrocystin/polyductin; minus strand). Cytogenetic location: 6p12.3.
Variant type: single nucleotide variant.
Coding change: c.8554+3A>G on transcript NM_138694.4 (MANE Select); 3 bases into the intron after coding-DNA position 8554, A replaced by G.
Molecular consequence: intron variant.
Genome position (GRCh38, 1-based): chr6:51,775,805, T>C on the plus strand (A>G on the coding strand, the complement: PKHD1 is on the minus strand). VCF-style: chr6-51775805-T-C. GRCh37 (hg19) VCF-style: chr6-51640603-T-C.
Other names: c.8554+3A>G (NM_170724.3).
Identifiers: ClinVar variation 499528 (VCV000499528.14), dbSNP rs370312392, ClinGen allele CA3851601.
Genomic context (GRCh38, chr6:51,775,805, plus strand): 5'-ACACAAGCACACAATACACACACATGCATTTTATTTTTAATAAAAACTATATTATACTCT[T>C]ACCAATTGTTCCTGGGTCAATATGAATTCCATTCATACGGTCACAAAAGACTCCCTCTGA-3'